The following is an entry in ClinVar:

NM_033453.4(ITPA):c.363C>A (p.Ser121Arg)

Gene: ITPA (inosine triphosphatase; plus strand). Cytogenetic location: 20p13.
Variant type: single nucleotide variant.
Coding change: c.363C>A on transcript NM_033453.4 (MANE Select); coding-DNA position 363, C replaced by A.
Protein change: p.Ser121Arg; replaces serine 121 with arginine.
Molecular consequence: missense variant. On other transcripts: non-coding transcript variant (2).
Genome position (GRCh38, 1-based): chr20:3,218,584, C>A. VCF-style: chr20-3218584-C-A. GRCh37 (hg19) VCF-style: chr20-3199230-C-A.
Other names: c.240C>A, p.Ser80Arg (NM_001267623.2); c.26C>A, p.Ala9Glu (NM_001324236.2, NM_001324237.2, NM_001324238.2 and 1 more transcripts); c.363C>A, p.Ser121Arg (NM_001324240.2); c.312C>A, p.Ser104Arg (NM_181493.4); short protein forms S121R, A9E, S80R, S104R.
Identifiers: ClinVar variation 533420 (VCV000533420.7), dbSNP rs765934653, ClinGen allele CA9741277.

ClinVar aggregate classification (germline): Uncertain significance (1 of 4 stars; one submission).

Conditions:
Inosine triphosphatase deficiency. Also called: INOSINE TRIPHOSPHATE PYROPHOSPHOHYDROLASE DEFICIENCY. Identifiers: MedGen C0342800, MONDO:0013461, OMIM 613850.

Allele frequency attached by ClinVar (database versions not stated): gnomAD 0.00005; gnomAD exomes 0.00005 and 0.00011; ExAC 0.00010; TOPMed 0.00012.
gnomAD v4.1: 35 of 1,613,802 alleles (0.0022%); highest among the groups gnomAD compares: Admixed American, 0.058%; no homozygotes.

Submission:

Labcorp Genetics (formerly Invitae), Labcorp
Classification: Uncertain significance for Inosine triphosphatase deficiency. Last evaluated: 2022-10-25. Review status: criteria provided, single submitter. Criteria: Invitae Variant Classification Sherloc (09022015). Collection method: clinical testing. Allele origin: germline.
Comment: This sequence change replaces serine, which is neutral and polar, with arginine, which is basic and polar, at codon 121 of the ITPA protein (p.Ser121Arg). This variant is present in population databases (rs765934653, gnomAD 0.08%). This variant has not been reported in the literature in individuals affected with ITPA-related conditions. ClinVar contains an entry for this variant (Variation ID: 533420). Algorithms developed to predict the effect of missense changes on protein structure and function are either unavailable or do not agree on the potential impact of this missense change (SIFT: "Deleterious"; PolyPhen-2: "Probably Damaging"; Align-GVGD: "Class C0"). In summary, the available evidence is currently insufficient to determine the role of this variant in disease. Therefore, it has been classified as a Variant of Uncertain Significance.